The following is an entry in ClinVar:

NM_001099271.2(POC5):c.698C>A (p.Ser233Tyr)

Gene: POC5 (POC5 centriolar protein; minus strand). Cytogenetic location: 5q13.3.
Variant type: single nucleotide variant.
Coding change: c.698C>A on transcript NM_001099271.2 (MANE Select); coding-DNA position 698, C replaced by A.
Protein change: p.Ser233Tyr; replaces serine 233 with tyrosine.
Molecular consequence: missense variant.
Genome position (GRCh38, 1-based): chr5:75,692,493, G>T on the plus strand (C>A on the coding strand, the complement: POC5 is on the minus strand). VCF-style: chr5-75692493-G-T. GRCh37 (hg19) VCF-style: chr5-74988318-G-T.
Other names: c.623C>A, p.Ser208Tyr (NM_152408.3); short protein forms S233Y, S208Y.
Identifiers: ClinVar variation 2845186 (VCV002845186.3), dbSNP rs1446128697, ClinGen allele CA360147412.

ClinVar aggregate classification (germline): Uncertain significance (1 of 4 stars; one submission).

Allele frequency attached by ClinVar (database versions not stated): gnomAD exomes below 0.00001; TOPMed below 0.00001; gnomAD 0.00001.
gnomAD v4.1: 3 of 1,593,624 alleles (0.00019%); highest among the groups gnomAD compares: Non-Finnish European, 0.00017%; no homozygotes.

Submission:

Labcorp Genetics (formerly Invitae), Labcorp
Classification: Uncertain significance. Last evaluated: 2024-08-29. Review status: criteria provided, single submitter. Criteria: Invitae Variant Classification Sherloc (09022015). Collection method: clinical testing. Allele origin: germline.
Comment: This sequence change replaces serine, which is neutral and polar, with tyrosine, which is neutral and polar, at codon 233 of the POC5 protein (p.Ser233Tyr). This variant is not present in population databases (gnomAD no frequency). This variant has not been reported in the literature in individuals affected with POC5-related conditions. An algorithm developed to predict the effect of missense changes on protein structure and function (PolyPhen-2) suggests that this variant is likely to be disruptive. Algorithms developed to predict the effect of sequence changes on RNA splicing suggest that this variant may disrupt the consensus splice site. In summary, the available evidence is currently insufficient to determine the role of this variant in disease. Therefore, it has been classified as a Variant of Uncertain Significance.